The following is an entry in ClinVar:

NM_001365951.3(KIF1B):c.4711A>C (p.Ile1571Leu)

Gene: KIF1B (kinesin family member 1B; plus strand). Cytogenetic location: 1p36.22.
Variant type: single nucleotide variant.
Coding change: c.4711A>C on transcript NM_001365951.3 (MANE Select); coding-DNA position 4711, A replaced by C.
Protein change: p.Ile1571Leu; replaces isoleucine 1571 with leucine.
Molecular consequence: missense variant.
Genome position (GRCh38, 1-based): chr1:10,365,607, A>C. VCF-style: chr1-10365607-A-C. GRCh37 (hg19) VCF-style: chr1-10425665-A-C.
Other names: c.4711A>C, p.Ile1571Leu (NM_001365952.1); c.4573A>C, p.Ile1525Leu (NM_015074.3); short protein forms I1571L, I1525L.
Identifiers: ClinVar variation 934245 (VCV000934245.13), dbSNP rs766977555, ClinGen allele CA582150.

ClinVar aggregate classification (germline): Uncertain significance. Review status: criteria provided, multiple submitters, no conflicts (2 of 4 stars). 2 submissions from 2 submitters: Uncertain significance (2). Last evaluated 2025-06-18.

Conditions:
Charcot-Marie-Tooth disease type 2. Also called: Charcot-Marie-Tooth type 2. Identifiers: Orphanet 64746, MedGen C0270914, MONDO:0018993.

Allele frequency attached by ClinVar (database versions not stated): TOPMed 0.00001; gnomAD 0.00002; ExAC 0.00001.
gnomAD v4.1: 29 of 1,614,040 alleles (0.0018%); highest among the groups gnomAD compares: Non-Finnish European, 0.0025%; no homozygotes.

Submissions (2):

Ambry Genetics
Classification: Uncertain significance. Last evaluated: 2025-06-18. Review status: criteria provided, single submitter. Criteria: Ambry Variant Classification Scheme 2023. Collection method: clinical testing. Allele origin: germline.
Comment: The p.I1525L variant (also known as c.4573A>C), located in coding exon 40 of the KIF1B gene, results from an A to C substitution at nucleotide position 4573. The isoleucine at codon 1525 is replaced by leucine, an amino acid with highly similar properties. This amino acid position is well conserved in available vertebrate species. In addition, this alteration is predicted to be tolerated by in silico analysis. Since supporting evidence is limited at this time, the clinical significance of this alteration remains unclear.

Labcorp Genetics (formerly Invitae), Labcorp
Classification: Uncertain significance for Charcot-Marie-Tooth disease type 2. Last evaluated: 2021-07-13. Review status: criteria provided, single submitter. Criteria: Invitae Variant Classification Sherloc (09022015). Collection method: clinical testing. Allele origin: germline.
Comment: This variant has not been reported in the literature in individuals with KIF1B-related conditions. In summary, the available evidence is currently insufficient to determine the role of this variant in disease. Therefore, it has been classified as a Variant of Uncertain Significance. Algorithms developed to predict the effect of missense changes on protein structure and function (SIFT, PolyPhen-2, Align-GVGD) all suggest that this variant is likely to be tolerated, but these predictions have not been confirmed by published functional studies and their clinical significance is uncertain. This variant is present in population databases (rs766977555, ExAC 0.001%). This sequence change replaces isoleucine with leucine at codon 1525 of the KIF1B protein (p.Ile1525Leu). The isoleucine residue is moderately conserved and there is a small physicochemical difference between isoleucine and leucine.